The following is an entry in ClinVar:

NM_015602.4(TOR1AIP1):c.1517T>C (p.Val506Ala)

Gene: TOR1AIP1 (torsin 1A interacting protein 1; plus strand). Cytogenetic location: 1q25.2.
Variant type: single nucleotide variant.
Coding change: c.1517T>C on transcript NM_015602.4 (MANE Select); coding-DNA position 1517, T replaced by C.
Protein change: p.Val506Ala; replaces valine 506 with alanine.
Molecular consequence: missense variant.
Genome position (GRCh38, 1-based): chr1:179,918,004, T>C. VCF-style: chr1-179918004-T-C. GRCh37 (hg19) VCF-style: chr1-179887139-T-C.
Other names: c.1520T>C, p.Val507Ala (NM_001267578.2); c.1517T>C (NM_015602.2); short protein forms V506A, V507A.
Identifiers: ClinVar variation 1310098 (VCV001310098.4), dbSNP rs1218884503, ClinGen allele CA343575848.

ClinVar aggregate classification (germline): Uncertain significance. Review status: criteria provided, multiple submitters, no conflicts (2 of 4 stars). 2 submissions from 2 submitters: Uncertain significance (2). Last evaluated 2025-06-16.

Conditions:
Inborn genetic diseases. Identifiers: MedGen C0950123, MeSH D030342.

Allele frequency attached by ClinVar (database versions not stated): gnomAD exomes below 0.00001; gnomAD 0.00001; TOPMed 0.00002.
gnomAD v4.1: 7 of 1,614,118 alleles (0.00043%); highest among the groups gnomAD compares: Non-Finnish European, 0.00059%; no homozygotes.

Submissions (2):

Ambry Genetics
Classification: Uncertain significance for Inborn genetic diseases. Last evaluated: 2025-06-16. Review status: criteria provided, single submitter. Criteria: Ambry Variant Classification Scheme 2023. Collection method: clinical testing. Allele origin: germline.

GeneDx
Classification: Uncertain significance. Last evaluated: 2025-05-10. Review status: criteria provided, single submitter. Criteria: GeneDx Variant Classification Process June 2021. Collection method: clinical testing. Allele origin: germline. Affected: yes.
Comment: Not observed at significant frequency in large population cohorts (gnomAD); In silico analysis supports that this missense variant has a deleterious effect on protein structure/function; Has not been previously published as pathogenic or benign to our knowledge